The following is an entry in ClinVar:

NM_004750.5(CRLF1):c.713del (p.Pro238fs)

Gene: CRLF1 (cytokine receptor like factor 1; minus strand). Cytogenetic location: 19p13.11.
Variant type: Deletion.
Coding change: c.713del on transcript NM_004750.5 (MANE Select); coding-DNA position 713, one base deleted (C; older notation c.713delC).
Protein change: p.Pro238fs; shifts the reading frame from proline 238.
Molecular consequence: frameshift variant.
Genome position (GRCh38, 1-based): chr19:18,597,034, G deleted on the plus strand (C on the coding strand, the reverse complement: CRLF1 is on the minus strand); the first of 6 consecutive G bases (chr19:18,597,034-18,597,039); deleting any one gives the same sequence. VCF-style (leftmost placement, unchanged base first): chr19-18597033-CG-C. GRCh37 (hg19) VCF-style: chr19-18707843-CG-C.
Other names: c.713delC (NM_004750.5); short protein forms P238fs.
Identifiers: ClinVar variation 1676590 (VCV001676590.24), dbSNP rs768727082, ClinGen allele CA645614569.
Genomic context (GRCh38, chr19:18,597,033, plus strand): 5'-CACCCAGCGCACGCTCAGCTGGTCCTCCAGGCCCCCGACGCGGCTCACGTGCACGTCGGG[CG>C]GGGGGTCCGTGGTCACTGCGGGGCAGAGGAGGGACCCTCTCAGCCTGGGACTGTCTGGGT-3'

ClinVar aggregate classification (germline): Pathogenic. Review status: criteria provided, multiple submitters, no conflicts (2 of 4 stars). 4 submissions from 4 submitters: Pathogenic (3). 1 of the submissions does not count toward it. Last evaluated 2026-09-02.

Conditions:
Cold-induced sweating syndrome 1 (CISS1). Also called: CRISPONI/COLD-INDUCED SWEATING SYNDROME 1; CRLF1-Related Cold-Induced Sweating Syndrome including Crisponi Syndrome; MUSCLE CONTRACTIONS, TETANOFORM, WITH CHARACTERISTIC FACE, CAMPTODACTYLY, HYPERTHERMIA, AND SUDDEN DEATH; Crisponi syndrome. Identifiers: Orphanet 1545, Orphanet 157820, MedGen C1848947, MONDO:0010091, OMIM 272430.

Submissions (4):

Institute of Medical Genetics and Applied Genomics, University Hospital Tübingen
Classification: Pathogenic for Cold-induced sweating syndrome 1. Last evaluated: 2026-09-02. Review status: criteria provided, single submitter. Criteria: ACMG Guidelines, 2015. Collection method: clinical testing. Allele origin: germline. Inheritance: Autosomal recessive inheritance. Affected: yes.

CeGaT Center for Human Genetics Tuebingen
Classification: Pathogenic. Last evaluated: 2024-06-01. Review status: criteria provided, single submitter. Criteria: CeGaT Center For Human Genetics Tuebingen Variant Classification Criteria Version 2. Collection method: clinical testing. Allele origin: germline. Affected: yes. Observed: 3 variant alleles.
Comment: CRLF1: PVS1, PM2, PM3:Supporting

Institute for Medical Genetics and Human Genetics, Charité - Universitätsmedizin Berlin
Classification: Pathogenic for Cold-induced sweating syndrome 1. Last evaluated: 2022-09-22. Review status: criteria provided, single submitter. Criteria: ACMG Guidelines, 2015. Collection method: clinical testing. Allele origin: germline. Inheritance: Autosomal recessive inheritance. Affected: yes. Observed: 2 homozygotes. Clinical features observed: Flexion contracture (HP:0001371), Unexplained fevers (HP:0001955), Abnormality of temperature regulation (HP:0004370).

Istanbul Faculty of Medicine, Istanbul University
Classification: Pathogenic for Cold-induced sweating syndrome 1. Last evaluated: 2022-04-04. Review status: no assertion criteria provided. Collection method: clinical testing. Allele origin: germline. Affected: yes. Observed: 2 variant alleles. Not counted in ClinVar's aggregate classification.

Literature cited by the submitters: PubMed 35699517 (cited by Istanbul Faculty of Medicine, Istanbul University).